The following is an entry in ClinVar:

ClinVar aggregate classification (germline): Uncertain significance (1 of 4 stars; one submission).

Submission:

Labcorp Genetics (formerly Invitae), Labcorp
Classification: Uncertain significance. Last evaluated: 2024-09-06. Review status: criteria provided, single submitter. Criteria: Invitae Variant Classification Sherloc (09022015). Collection method: clinical testing. Allele origin: germline.
Comment: This sequence change replaces glutamic acid, which is acidic and polar, with aspartic acid, which is acidic and polar, at codon 246 of the SPEG protein (p.Glu246Asp). This variant is not present in population databases (gnomAD no frequency). This variant has not been reported in the literature in individuals affected with SPEG-related conditions. An algorithm developed to predict the effect of missense changes on protein structure and function (PolyPhen-2) suggests that this variant is likely to be tolerated. In summary, the available evidence is currently insufficient to determine the role of this variant in disease. Therefore, it has been classified as a Variant of Uncertain Significance.

NM_005876.5(SPEG):c.738G>T (p.Glu246Asp)

Gene: SPEG (striated muscle enriched protein kinase; plus strand). Cytogenetic location: 2q35.
Variant type: single nucleotide variant.
Coding change: c.738G>T on transcript NM_005876.5 (MANE Select); coding-DNA position 738, G replaced by T.
Protein change: p.Glu246Asp; replaces glutamic acid 246 with aspartic acid.
Molecular consequence: missense variant.
Genome position (GRCh38, 1-based): chr2:219,445,084, G>T. VCF-style: chr2-219445084-G-T. GRCh37 (hg19) VCF-style: chr2-220309806-G-T.
Other names: short protein forms E246D.
Identifiers: ClinVar variation 3663208 (VCV003663208.2).